The following is an entry in ClinVar:

ClinVar aggregate classification (germline): Uncertain significance. Review status: criteria provided, multiple submitters, no conflicts (2 of 4 stars). 2 submissions from 2 submitters: Uncertain significance (2). Last evaluated 2026-06-10.

Conditions:
Hereditary cancer-predisposing syndrome. Also called: Hereditary neoplastic syndrome; Neoplastic Syndromes, Hereditary; Tumor predisposition; Hereditary Cancer Syndrome. Identifiers: Orphanet 140162, MedGen C0027672, MeSH D009386, MONDO:0015356.

Submissions (2):

Ambry Genetics
Classification: Uncertain significance for Hereditary cancer-predisposing syndrome. Last evaluated: 2026-06-10. Review status: criteria provided, single submitter. Criteria: Ambry Variant Classification Scheme 2023. Collection method: clinical testing. Allele origin: germline.
Comment: The p.V448M variant (also known as c.1342G>A), located in coding exon 9 of the MSH3 gene, results from a G to A substitution at nucleotide position 1342. The valine at codon 448 is replaced by methionine, an amino acid with highly similar properties. This amino acid position is conserved. In addition, this alteration is predicted to be tolerated by in silico analysis. Based on the available evidence, the clinical significance of this variant remains unclear.

Labcorp Genetics (formerly Invitae), Labcorp
Classification: Uncertain significance. Last evaluated: 2024-10-30. Review status: criteria provided, single submitter. Criteria: Invitae Variant Classification Sherloc (09022015). Collection method: clinical testing. Allele origin: germline.
Comment: This sequence change replaces valine, which is neutral and non-polar, with methionine, which is neutral and non-polar, at codon 448 of the MSH3 protein (p.Val448Met). This variant is not present in population databases (gnomAD no frequency). This variant has not been reported in the literature in individuals affected with MSH3-related conditions. ClinVar contains an entry for this variant (Variation ID: 1018411). An algorithm developed to predict the effect of missense changes on protein structure and function outputs the following: PolyPhen-2: "Benign". The methionine amino acid residue is found in multiple mammalian species, which suggests that this missense change does not adversely affect protein function. In summary, the available evidence is currently insufficient to determine the role of this variant in disease. Therefore, it has been classified as a Variant of Uncertain Significance.

NM_002439.5(MSH3):c.1342G>A (p.Val448Met)

Gene: MSH3 (mutS homolog 3; plus strand). Cytogenetic location: 5q14.1.
Variant type: single nucleotide variant.
Coding change: c.1342G>A on transcript NM_002439.5 (MANE Select); coding-DNA position 1342, G replaced by A.
Protein change: p.Val448Met; replaces valine 448 with methionine.
Molecular consequence: missense variant.
Genome position (GRCh38, 1-based): chr5:80,725,454, G>A. VCF-style: chr5-80725454-G-A. GRCh37 (hg19) VCF-style: chr5-80021273-G-A.
Other names: c.1342G>A (NM_002439.3); short protein forms V448M.
Identifiers: ClinVar variation 1018411 (VCV001018411.9), dbSNP rs1743268633, ClinGen allele CA360273338.